The following is an entry in ClinVar:

NM_005263.5(GFI1):c.692C>G (p.Ala231Gly)

Gene: GFI1 (growth factor independent 1 transcriptional repressor; minus strand). Cytogenetic location: 1p22.1.
Variant type: single nucleotide variant.
Coding change: c.692C>G on transcript NM_005263.5 (MANE Select); coding-DNA position 692, C replaced by G.
Protein change: p.Ala231Gly; replaces alanine 231 with glycine.
Molecular consequence: missense variant.
Genome position (GRCh38, 1-based): chr1:92,480,695, G>C on the plus strand (C>G on the coding strand, the complement: GFI1 is on the minus strand). VCF-style: chr1-92480695-G-C. GRCh37 (hg19) VCF-style: chr1-92946252-G-C.
Other names: c.692C>G, p.Ala231Gly (NM_001127215.3, NM_001127216.3); short protein forms A231G.
Identifiers: ClinVar variation 3519856 (VCV003519856.1).

ClinVar aggregate classification (germline): Uncertain significance (1 of 4 stars; one submission).

Submission:

Ambry Genetics
Classification: Uncertain significance. Last evaluated: 2024-12-09. Review status: criteria provided, single submitter. Criteria: Ambry Variant Classification Scheme 2023. Collection method: clinical testing. Allele origin: germline.
Comment: The p.A231G variant (also known as c.692C>G), located in coding exon 3 of the GFI1 gene, results from a C to G substitution at nucleotide position 692. The alanine at codon 231 is replaced by glycine, an amino acid with similar properties. This amino acid position is conserved. In addition, this alteration is predicted to be tolerated by in silico analysis. Based on the available evidence, the clinical significance of this variant remains unclear.